The following is an entry in ClinVar:

ClinVar aggregate classification (germline): Uncertain significance. Review status: criteria provided, multiple submitters, no conflicts (2 of 4 stars). 2 submissions from 2 submitters: Uncertain significance (2). Last evaluated 2022-06-22.

Conditions:
Hereditary cancer-predisposing syndrome. Also called: Hereditary neoplastic syndrome; Tumor predisposition; Neoplastic Syndromes, Hereditary; Hereditary Cancer Syndrome. Identifiers: Orphanet 140162, MedGen C0027672, MeSH D009386, MONDO:0015356.
Juvenile polyposis syndrome (JPS). Identifiers: Orphanet 2929, MedGen C0345893, MONDO:0017380, OMIM 174900.

Allele frequency attached by ClinVar (database versions not stated): gnomAD exomes below 0.00001.
gnomAD v4.1: 4 of 1,613,670 alleles (0.00025%); highest among the groups gnomAD compares: South Asian, 0.0033%; no homozygotes.

Submissions (2):

Ambry Genetics
Classification: Uncertain significance for Hereditary cancer-predisposing syndrome. Last evaluated: 2022-06-22. Review status: criteria provided, single submitter. Criteria: Ambry Variant Classification Scheme 2023. Collection method: clinical testing. Allele origin: germline.
Comment: The c.430+3A>G intronic variant results from an A to G substitution 3 nucleotides after coding exon 4 in the BMPR1A gene. This nucleotide position is well conserved in available vertebrate species. In silico splice site analysis predicts that this alteration will not have any significant effect on splicing. Since supporting evidence is limited at this time, the clinical significance of this alteration remains unclear.

Labcorp Genetics (formerly Invitae), Labcorp
Classification: Uncertain significance for Juvenile polyposis syndrome. Last evaluated: 2020-01-13. Review status: criteria provided, single submitter. Criteria: Invitae Variant Classification Sherloc (09022015). Collection method: clinical testing. Allele origin: germline.
Comment: This variant is not present in population databases (ExAC no frequency). In summary, the available evidence is currently insufficient to determine the role of this variant in disease. Therefore, it has been classified as a Variant of Uncertain Significance. Nucleotide substitutions within the consensus splice site are a relatively common cause of aberrant splicing (PMID: 17576681, 9536098). Algorithms developed to predict the effect of sequence changes on RNA splicing suggest that this variant may disrupt the consensus splice site, but this prediction has not been confirmed by published transcriptional studies. This variant has not been reported in the literature in individuals with BMPR1A-related conditions. This sequence change falls in intron 6 of the BMPR1A gene. It does not directly change the encoded amino acid sequence of the BMPR1A protein, but it affects a nucleotide within the consensus splice site of the intron.

Literature cited by the submitters: PubMed 17576681 (cited by Labcorp Genetics (formerly Invitae), Labcorp); PubMed 9536098 (cited by Labcorp Genetics (formerly Invitae), Labcorp).

NM_004329.3(BMPR1A):c.430+3A>G

Gene: BMPR1A (bone morphogenetic protein receptor type 1A; plus strand). Cytogenetic location: 10q23.2.
Variant type: single nucleotide variant.
Coding change: c.430+3A>G on transcript NM_004329.3 (MANE Select); 3 bases into the intron after coding-DNA position 430, A replaced by G.
Molecular consequence: intron variant.
Genome position (GRCh38, 1-based): chr10:86,899,893, A>G. VCF-style: chr10-86899893-A-G. GRCh37 (hg19) VCF-style: chr10-88659650-A-G.
Identifiers: ClinVar variation 959960 (VCV000959960.8), dbSNP rs769214238, ClinGen allele CA1139661558.
Genomic context (GRCh38, chr10:86,899,893, plus strand): 5'-TGTCGGACCAATTTATGTAACCAGTATTTGCAACCCACACTGCCCCCTGTTGTCATAGGT[A>G]GGTTAGCCGAGAAAAGTCGGAGCATGCTTCTCAAATATCTTCTCTGGTTTTACAGTAACC-3'